The following is an entry in ClinVar:

NM_001127464.1:c.10739G>A

Gene: ZNF469 (zinc finger protein 469; plus strand).
Variant type: single nucleotide variant.
Identifiers: ClinVar variation 4826320 (VCV004826320.1).

ClinVar aggregate classification (germline): Uncertain significance (1 of 4 stars; one submission).

Conditions:
Cardiovascular phenotype. Identifiers: MedGen CN230736.

Submission:

Ambry Genetics
Classification: Uncertain significance for Cardiovascular phenotype. Last evaluated: 2026-03-01. Review status: criteria provided, single submitter. Criteria: Ambry Variant Classification Scheme 2023. Collection method: clinical testing. Allele origin: germline.
Comment: The p.G3580D variant (also known as c.10739G>A), located in coding exon 2 of the ZNF469 gene, results from a G to A substitution at nucleotide position 10739. The glycine at codon 3580 is replaced by aspartic acid, an amino acid with similar properties. This amino acid position is conserved. In addition, this alteration is predicted to be tolerated by in silico analysis. Based on the available evidence, the clinical significance of this variant remains unclear.